The following is an entry in ClinVar:

ClinVar aggregate classification (germline): Uncertain significance (1 of 4 stars; one submission).

gnomAD v4.1: 18 of 1,611,786 alleles (0.0011%); highest among the groups gnomAD compares: East Asian, 0.0045%; no homozygotes.

Submission:

Ambry Genetics
Classification: Uncertain significance. Last evaluated: 2025-11-24. Review status: criteria provided, single submitter. Criteria: Ambry Variant Classification Scheme 2023. Collection method: clinical testing. Allele origin: germline.
Comment: The c.1826G>A (p.R609Q) alteration is located in exon 15 (coding exon 15) of the MTSS1L gene. This alteration results from a G to A substitution at nucleotide position 1826, causing the arginine (R) at amino acid position 609 to be replaced by a glutamine (Q). Based on data from gnomAD, the A allele has an overall frequency of 0.002% (5/275156) total alleles studied. The highest observed frequency was 0.01% (2/19728) of East Asian alleles. Based on insufficient or conflicting evidence, the clinical significance of this alteration remains unclear.

NM_138383.3(MTSS2):c.1826G>A (p.Arg609Gln)

Gene: MTSS2 (MTSS I-BAR domain containing 2; minus strand). Cytogenetic location: 16q22.1.
Variant type: single nucleotide variant.
Coding change: c.1826G>A on transcript NM_138383.3 (MANE Select); coding-DNA position 1826, G replaced by A.
Protein change: p.Arg609Gln; replaces arginine 609 with glutamine.
Molecular consequence: missense variant.
Genome position (GRCh38, 1-based): chr16:70,664,095, C>T on the plus strand (G>A on the coding strand, the complement: MTSS2 is on the minus strand). VCF-style: chr16-70664095-C-T. GRCh37 (hg19) VCF-style: chr16-70697998-C-T.
Other names: short protein forms R609Q.
Identifiers: ClinVar variation 4554037 (VCV004554037.1).